The following is an entry in ClinVar:

ClinVar aggregate classification (germline): Uncertain significance (1 of 4 stars; one submission).

Submission:

GeneDx
Classification: Uncertain significance. Last evaluated: 2024-03-07. Review status: criteria provided, single submitter. Criteria: GeneDx Variant Classification Process June 2021. Collection method: clinical testing. Allele origin: germline. Affected: yes.
Comment: Not observed at significant frequency in large population cohorts (gnomAD); In silico analysis supports that this missense variant has a deleterious effect on protein structure/function; Has not been previously published as pathogenic or benign to our knowledge

NM_031407.7(HUWE1):c.1156C>T (p.Leu386Phe)

Gene: HUWE1 (HECT, UBA and WWE domain containing E3 ubiquitin protein ligase 1; minus strand). Cytogenetic location: Xp11.22.
Variant type: single nucleotide variant.
Coding change: c.1156C>T on transcript NM_031407.7 (MANE Select); coding-DNA position 1156, C replaced by T.
Protein change: p.Leu386Phe; replaces leucine 386 with phenylalanine.
Molecular consequence: missense variant.
Genome position (GRCh38, 1-based): chrX:53,628,579, G>A on the plus strand (C>T on the coding strand, the complement: HUWE1 is on the minus strand). VCF-style: chrX-53628579-G-A. GRCh37 (hg19) VCF-style: chrX-53655530-G-A.
Other names: short protein forms L386F.
Identifiers: ClinVar variation 3370575 (VCV003370575.1).